The following is an entry in ClinVar:

NM_020774.4(MIB1):c.2235G>T (p.Gln745His)

Gene: MIB1 (MIB E3 ubiquitin protein ligase 1; plus strand). Cytogenetic location: 18q11.2.
Variant type: single nucleotide variant.
Coding change: c.2235G>T on transcript NM_020774.4 (MANE Select); coding-DNA position 2235, G replaced by T.
Protein change: p.Gln745His; replaces glutamine 745 with histidine.
Molecular consequence: missense variant.
Genome position (GRCh38, 1-based): chr18:21,846,967, G>T. VCF-style: chr18-21846967-G-T. GRCh37 (hg19) VCF-style: chr18-19426928-G-T.
Other names: short protein forms Q745H.
Identifiers: ClinVar variation 373261 (VCV000373261.1), dbSNP rs1057518310, ClinGen allele CA16043060.

ClinVar aggregate classification (germline): Uncertain significance (1 of 4 stars; one submission).

Submission:

GeneDx
Classification: Uncertain significance. Last evaluated: 2016-11-21. Review status: criteria provided, single submitter. Criteria: GeneDx Variant Classification (06012015). Collection method: clinical testing. Allele origin: germline. Affected: yes.
Comment: A novel variant of uncertain significance has been identified in the MIB1 gene. The Q745H variant has not been published as a pathogenic variant, nor has it been reported as a benign variant to our knowledge. It was not observed in approximately 6,500 individuals of European and African American ancestry in the NHLBI Exome Sequencing Project, indicating it is not a common benign variant in these populations. The Q745H variant is a semi-conservative amino acid substitution, which may impact secondary protein structure as these residues differ in some properties. In addition, this substitution occurs at a position that is conserved across species, and two of three in silico analysis programs predicts this variant is probably damaging to the protein structure/function. Nonetheless, this variant lacks observation in a significant number of affected individuals, segregation data, and functional evidence, all of which would further clarify pathogenicity.Therefore, based on the currently available information, it is unclear whether this variant is pathogenic or rare benign.